The following is an entry in ClinVar:

ClinVar aggregate classification (germline): Likely pathogenic. Review status: criteria provided, multiple submitters, no conflicts (2 of 4 stars). 2 submissions from 2 submitters: Likely pathogenic (2). Last evaluated 2024-10-15.

Conditions:
Tay-Sachs disease (TSD). Also called: GM2 gangliosidosis, type 1; Hexosaminidase alpha-subunit deficiency (variant B); Sphingolipidosis, Tay-Sachs; Hexosaminidase A Deficiency; HEXA DEFICIENCY; HEXA Disorders. Identifiers: Orphanet 845, MedGen C0039373, MONDO:0010100, OMIM 272800.

Submissions (2):

Natera, Inc.
Classification: Likely pathogenic for Tay-Sachs disease. Last evaluated: 2024-10-15. Review status: criteria provided, single submitter. Criteria: Natera Variant Classification Schema (03/2026). Collection method: clinical testing. Allele origin: germline.
Comment: The c.1342C>T variant in HEXA is a nonsense variant predicted to introduce a stop codon at amino acid 448. This variant is expected to result in nonsense mediated decay, truncation, or a dysfunctional protein product. This variant is rare in the general population with a frequency below the threshold expected for the associated phenotype(s). Given the available evidence, this variant is classified as Likely Pathogenic.

Myriad Genetics, Inc.
Classification: Likely pathogenic for Tay-Sachs disease. Last evaluated: 2022-05-09. Review status: criteria provided, single submitter. Criteria: Myriad Women's Health Autosomal Recessive and X-Linked Classification Criteria (2021). Collection method: clinical testing. Allele origin: unknown.
Comment: NM_000520.4(HEXA):c.1342C>T(Q448*) is expected to be pathogenic in the context of hexosaminidase A deficiency. This variant is predicted to lead to an abnormal or absent protein product due to the creation of a premature termination codon in HEXA, a gene where loss-of-function variants are known to be pathogenic. Please note: this variant was assessed in the context of healthy population screening.

NM_000520.6(HEXA):c.1342C>T (p.Gln448Ter)

Gene: HEXA (hexosaminidase subunit alpha; minus strand). Cytogenetic location: 15q23.
Variant type: single nucleotide variant.
Coding change: c.1342C>T on transcript NM_000520.6 (MANE Select); coding-DNA position 1342, C replaced by T.
Protein change: p.Gln448Ter; replaces glutamine 448 with a stop codon.
Molecular consequence: nonsense. On other transcripts: non-coding transcript variant (1).
Genome position (GRCh38, 1-based): chr15:72,346,314, G>A on the plus strand (C>T on the coding strand, the complement: HEXA is on the minus strand). VCF-style: chr15-72346314-G-A. GRCh37 (hg19) VCF-style: chr15-72638655-G-A.
Other names: c.1375C>T, p.Gln459Ter (NM_001318825.2); c.1342C>T (NM_000520.5); short protein forms Q448*, Q459*.
Identifiers: ClinVar variation 1726039 (VCV001726039.3), dbSNP rs2088612933, ClinGen allele CA393059362.